The following is an entry in ClinVar:

ClinVar aggregate classification (germline): Uncertain significance. Review status: criteria provided, single submitter (1 of 4 stars). 2 submissions from 2 submitters: Uncertain significance (1). 1 of the submissions does not count toward it. Last evaluated 2025-08-08.

Conditions:
Inborn genetic diseases. Identifiers: MedGen C0950123, MeSH D030342.
PCNT-related disorder. Also called: PCNT-related condition.

gnomAD v4.1: 10 of 1,614,092 alleles (0.00062%); highest among the groups gnomAD compares: African/African-American, 0.0013%; no homozygotes.

Submissions (2):

Ambry Genetics
Classification: Uncertain significance for Inborn genetic diseases. Last evaluated: 2025-08-08. Review status: criteria provided, single submitter. Criteria: Ambry Variant Classification Scheme 2023. Collection method: clinical testing. Allele origin: germline.

PreventionGenetics, part of Exact Sciences
Classification: Uncertain significance for PCNT-related condition. Last evaluated: 2024-04-04. Review status: no assertion criteria provided. Collection method: clinical testing. Allele origin: germline. Not counted in ClinVar's aggregate classification.
Comment: The PCNT c.7751C>T variant is predicted to result in the amino acid substitution p.Thr2584Met. To our knowledge, this variant has not been reported in the literature or in a large population database, indicating this variant is rare. At this time, the clinical significance of this variant is uncertain due to the absence of conclusive functional and genetic evidence.

NM_006031.6(PCNT):c.7751C>T (p.Thr2584Met)

Gene: PCNT (pericentrin; plus strand). Cytogenetic location: 21q22.3.
Variant type: single nucleotide variant.
Coding change: c.7751C>T on transcript NM_006031.6 (MANE Select); coding-DNA position 7751, C replaced by T.
Protein change: p.Thr2584Met; replaces threonine 2584 with methionine.
Molecular consequence: missense variant.
Genome position (GRCh38, 1-based): chr21:46,430,070, C>T. VCF-style: chr21-46430070-C-T. GRCh37 (hg19) VCF-style: chr21-47849984-C-T.
Other names: c.7397C>T, p.Thr2466Met (NM_001315529.2); short protein forms T2466M, T2584M.
Identifiers: ClinVar variation 3357782 (VCV003357782.2).